The following is an entry in ClinVar:

NM_002435.3(MPI):c.414G>A (p.Met138Ile)

Gene: MPI (mannose phosphate isomerase; plus strand). Cytogenetic location: 15q24.1.
Variant type: single nucleotide variant.
Coding change: c.414G>A on transcript NM_002435.3 (MANE Select); coding-DNA position 414, G replaced by A.
Protein change: p.Met138Ile; replaces methionine 138 with isoleucine.
Molecular consequence: missense variant.
Genome position (GRCh38, 1-based): chr15:74,892,729, G>A. VCF-style: chr15-74892729-G-A. GRCh37 (hg19) VCF-style: chr15-75185070-G-A.
Other names: c.414G>A, p.Met138Ile (NM_001289155.2, NM_001289157.2); c.264G>A, p.Met88Ile (NM_001289156.2); c.354G>A, p.Met118Ile (NM_001330372.2); short protein forms M138I, M118I, M88I.
Identifiers: ClinVar variation 449251 (VCV000449251.17), dbSNP rs150217523, ClinGen allele CA7662433.
Genomic context (GRCh38, chr15:74,892,729, plus strand): 5'-AGAGAAGCTGCACCTCCAGGCTCCGCAGCACTACCCCGATGCCAACCACAAGCCAGAGAT[G>A]GCCATTGCCCTCACCCCCTTCCAGGGCTTGTGTGGCTTCCGGCCAGTTGAGGAGATTGTA-3'
Protein context (NP_002426.1, residues 128-148): HYPDANHKPE[Met138Ile]AIALTPFQGL

ClinVar aggregate classification (germline): Conflicting classifications of pathogenicity. Review status: criteria provided, conflicting classifications (1 of 4 stars). 4 submissions from 4 submitters: Uncertain significance (1); Likely benign (2). 1 of the submissions does not count toward it. Last evaluated 2026-02-01.

Conditions:
MPI-congenital disorder of glycosylation. Also called: PROTEIN-LOSING ENTEROPATHY-HEPATIC FIBROSIS SYNDROME; MPI DEFICIENCY; CONGENITAL DISORDER OF GLYCOSYLATION, TYPE Ib; CDG Ib; MANNOSEPHOSPHATE ISOMERASE DEFICIENCY; MPI-CDG. Identifiers: Orphanet 79319, MedGen C1865145, MONDO:0011257, OMIM 602579.

Allele frequency attached by ClinVar (database versions not stated): gnomAD exomes 0.00022 and 0.00053; ExAC 0.00059; 1000 Genomes Project 0.00180; 1000 Genomes Project 30x 0.00203; gnomAD 0.00209 and 0.00227; TOPMed 0.00241; ESP Exome Variant Server 0.00246.

Submissions (4):

Labcorp Genetics (formerly Invitae), Labcorp
Classification: Likely benign for MPI-congenital disorder of glycosylation. Last evaluated: 2026-02-01. Review status: criteria provided, single submitter. Criteria: Invitae Variant Classification Sherloc (09022015). Collection method: clinical testing. Allele origin: germline.

Genetic Services Laboratory, University of Chicago
Classification: Likely benign. Last evaluated: 2021-12-13. Review status: criteria provided, single submitter. Criteria: ACMG Guidelines, 2015. Collection method: clinical testing. Allele origin: germline. Affected: no.

GeneDx
Classification: Uncertain significance. Last evaluated: 2017-06-22. Review status: criteria provided, single submitter. Criteria: GeneDx Variant Classification (06012015). Collection method: clinical testing. Allele origin: germline. Affected: yes.
Comment: The M138I variant in the MPI gene has not been reported previously as a pathogenic variant, nor as a benign variant, to our knowledge. This variant is observed in 66/10,400 alleles (0.63%) from individuals of African background in the ExAC dataset (Lek et al., 2016). The M138I variant is a conservative amino acid substitution, which is not likely to impact secondary protein structure as these residues share similar properties. In addition, this substitution occurs at a position where amino acids with similar properties to Methionine are tolerated across species, and Isoleucine is present in three mammalian species. However, in silico analysis predicts this variant is probably damaging to the protein structure/function. Missense variants in the same codon (M138T) and a nearby residue (I140T) have been reported in the Human Gene Mutation Database in association with CDG1B (Jaeken et al., 1998; Stenson et al., 2014), supporting the functional importance of this region of the protein. We therefore interpret M138I as a variant of uncertain significance.

Natera, Inc.
Classification: Benign for Congenital disorder of glycosylation type 1b. Last evaluated: 2019-10-28. Review status: no assertion criteria provided. Collection method: clinical testing. Allele origin: germline. Not counted in ClinVar's aggregate classification.